The following is an entry in ClinVar:

ClinVar aggregate classification (germline): Uncertain significance (1 of 4 stars; one submission).

Conditions:
Autosomal recessive limb-girdle muscular dystrophy type 2L (LGMDR12). Also called: Limb-girdle muscular dystrophy, type 2L; MUSCULAR DYSTROPHY, LIMB-GIRDLE, AUTOSOMAL RECESSIVE 12; Limb-Girdle Muscular Dystrophy R12 Anoctamin-5-Related (LGMD-R12). Identifiers: Orphanet 206549, MedGen C1969785, MONDO:0012652, OMIM 611307.
Gnathodiaphyseal dysplasia (GDD). Also called: GNATHODIAPHYSEAL SCLEROSIS; OSTEOGENESIS IMPERFECTA WITH UNUSUAL SKELETAL LESIONS. Identifiers: Orphanet 53697, MedGen C1833736, MONDO:0008151, OMIM 166260.

Submission:

Labcorp Genetics (formerly Invitae), Labcorp
Classification: Uncertain significance for Autosomal recessive limb-girdle muscular dystrophy type 2L; Gnathodiaphyseal dysplasia. Last evaluated: 2022-03-27. Review status: criteria provided, single submitter. Criteria: Invitae Variant Classification Sherloc (09022015). Collection method: clinical testing. Allele origin: unknown.
Comment: In summary, the available evidence is currently insufficient to determine the role of this variant in disease. Therefore, it has been classified as a Variant of Uncertain Significance. This variant has not been reported in the literature in individuals affected with ANO5-related conditions. This variant results in a copy number gain of the genomic region encompassing exon(s) 10-22 of the ANO5 gene. This region includes the termination codon of the gene. This copy number gain extends beyond the assayed region for this gene and therefore may encompass additional genes. As the precise location of this event is unknown, it may be in tandem or it may be located elsewhere in the genome.

NC_000011.9:g.(?_22271763)_(22301311_?)dup

Gene: ANO5 (anoctamin 5; plus strand). Cytogenetic location: 11p14.3.
Variant type: Duplication.
Identifiers: ClinVar variation 3244655 (VCV003244655.1).